The following is an entry in ClinVar:

ClinVar aggregate classification (germline): Uncertain significance (1 of 4 stars; one submission).

Submission:

Ambry Genetics
Classification: Uncertain significance. Last evaluated: 2024-08-18. Review status: criteria provided, single submitter. Criteria: Ambry Variant Classification Scheme 2023. Collection method: clinical testing. Allele origin: germline.
Comment: The p.T533I variant (also known as c.1598C>T), located in coding exon 8 of the PALLD gene, results from a C to T substitution at nucleotide position 1598. The threonine at codon 533 is replaced by isoleucine, an amino acid with similar properties. This amino acid position is conserved. In addition, this alteration is predicted to be tolerated by in silico analysis. Since supporting evidence is limited at this time, the clinical significance of this alteration remains unclear.

NM_001166108.2(PALLD):c.1598C>T (p.Thr533Ile)

Gene: PALLD (palladin, cytoskeletal associated protein; plus strand). Cytogenetic location: 4q32.3.
Variant type: single nucleotide variant.
Coding change: c.1598C>T on transcript NM_001166108.2 (MANE Select); coding-DNA position 1598, C replaced by T.
Protein change: p.Thr533Ile; replaces threonine 533 with isoleucine.
Molecular consequence: missense variant.
Genome position (GRCh38, 1-based): chr4:168,709,124, C>T. VCF-style: chr4-168709124-C-T. GRCh37 (hg19) VCF-style: chr4-169630275-C-T.
Other names: c.452C>T, p.Thr151Ile (NM_001166109.2); c.1598C>T, p.Thr533Ile (NM_016081.4); short protein forms T533I, T151I.
Identifiers: ClinVar variation 1776038 (VCV001776038.3), dbSNP rs2531819193, ClinGen allele CA358797625.